The following is an entry in ClinVar:

ClinVar aggregate classification (germline): Likely benign (0 of 4 stars; one submission).

Conditions:
ATP8B1-related disorder. Also called: ATP8B1-related condition; ATP8B1-related disorders.

Allele frequency attached by ClinVar (database versions not stated): gnomAD exomes 0.00002.
gnomAD v4.1: 12 of 1,526,016 alleles (0.00079%); highest among the groups gnomAD compares: Non-Finnish European, 0.0011%; no homozygotes.

Submission:

PreventionGenetics, part of Exact Sciences
Classification: Likely benign for ATP8B1-related condition. Last evaluated: 2022-10-24. Review status: no assertion criteria provided. Collection method: clinical testing. Allele origin: germline.
Comment: This variant is classified as likely benign based on ACMG/AMP sequence variant interpretation guidelines (Richards et al. 2015 PMID: 25741868, with internal and published modifications).

NM_001374385.1(ATP8B1):c.1029+6T>G

Genes: ATP8B1 (ATPase phospholipid transporting 8B1; minus strand), LOC126862761 (CDK7 strongly-dependent group 2 enhancer GRCh37_chr18:55360919-55362118; plus strand). Cytogenetic location: 18q21.31.
Variant type: single nucleotide variant.
Coding change: c.1029+6T>G on transcript NM_001374385.1 (MANE Select); 6 bases into the intron after coding-DNA position 1029, T replaced by G.
Molecular consequence: intron variant.
Genome position (GRCh38, 1-based): chr18:57,694,576, A>C on the plus strand (T>G on the coding strand, the complement: ATP8B1 is on the minus strand). VCF-style: chr18-57694576-A-C. GRCh37 (hg19) VCF-style: chr18-55361808-A-C.
Other names: c.1029+6T>G (NM_005603.6); c.879+6T>G (NM_001374386.1).
Identifiers: ClinVar variation 3036782 (VCV003036782.2), dbSNP rs2511766698, ClinGen allele CA2576512566.
Genomic context (GRCh38, chr18:57,694,576, plus strand): 5'-TACGATAATATTAGTGCAAAAGACAGCAATCTAGATGAGAGATCTACTGAGATGAAAAAT[A>C]AATACCGTGTAAACCATGTAGTTCATCAAGTAATCAATTTTAGTTCTTTTAAATCTGGTT-3'